The following is an entry in ClinVar:

NM_021098.3(CACNA1H):c.4733T>G (p.Leu1578Arg)

Gene: CACNA1H (calcium voltage-gated channel subunit alpha1 H; plus strand). Cytogenetic location: 16p13.3.
Variant type: single nucleotide variant.
Coding change: c.4733T>G on transcript NM_021098.3 (MANE Select); coding-DNA position 4733, T replaced by G.
Protein change: p.Leu1578Arg; replaces leucine 1578 with arginine.
Molecular consequence: missense variant.
Genome position (GRCh38, 1-based): chr16:1,212,112, T>G. VCF-style: chr16-1212112-T-G. GRCh37 (hg19) VCF-style: chr16-1262112-T-G.
Other names: c.4733T>G, p.Leu1578Arg (NM_001005407.2); short protein forms L1578R.
Identifiers: ClinVar variation 937128 (VCV000937128.9), dbSNP rs1969518741, ClinGen allele CA394181168.

ClinVar aggregate classification (germline): Uncertain significance (1 of 4 stars; one submission).

Conditions:
Idiopathic generalized epilepsy. Also called: Generalised epilepsy; EIG. Identifiers: MedGen C0270850, MONDO:0005579, OMIM 600669.
Hyperaldosteronism, familial, type IV (HALD4). Also called: FH IV; ALDOSTERONISM, PRIMARY, AND HYPERTENSION. Identifiers: Orphanet 642671, MedGen C4310756, MONDO:0014875, OMIM 617027.

Submission:

Labcorp Genetics (formerly Invitae), Labcorp
Classification: Uncertain significance for Idiopathic generalized epilepsy; Hyperaldosteronism, familial, type IV. Last evaluated: 2019-07-31. Review status: criteria provided, single submitter. Criteria: Invitae Variant Classification Sherloc (09022015). Collection method: clinical testing. Allele origin: germline.
Comment: Algorithms developed to predict the effect of missense changes on protein structure and function output the following: SIFT: "Deleterious"; PolyPhen-2: "Benign"; Align-GVGD: "Class C0". The arginine amino acid residue is found in multiple mammalian species, suggesting that this missense change does not adversely affect protein function. These predictions have not been confirmed by published functional studies and their clinical significance is uncertain. In summary, the available evidence is currently insufficient to determine the role of this variant in disease. Therefore, it has been classified as a Variant of Uncertain Significance. This variant has not been reported in the literature in individuals with CACNA1H-related conditions. This variant is not present in population databases (ExAC no frequency). This sequence change replaces leucine with arginine at codon 1578 of the CACNA1H protein (p.Leu1578Arg). The leucine residue is moderately conserved and there is a moderate physicochemical difference between leucine and arginine.